The following is an entry in ClinVar:

ClinVar aggregate classification (germline): Uncertain significance (1 of 4 stars; one submission).

Conditions:
Alport syndrome. Also called: Hemorrhagic familial nephritis; Hemorrhagic hereditary nephritis; Congenital hereditary hematuria. Identifiers: Orphanet 63, MedGen C1567741, MONDO:0018965.

Submission:

Myriad Genetics, Inc.
Classification: Uncertain significance for Alport syndrome. Last evaluated: 2026-06-28. Review status: criteria provided, single submitter. Criteria: Myriad Autosomal Dominant, Autosomal Recessive and X-Linked Classification Criteria (2023). Collection method: clinical testing. Allele origin: unknown.
Comment: NM_000091.4(COL4A3):c.3437G>A(G1146E) is a missense variant classified as a variant of uncertain significance in the context of Alport syndrome, COL4A3-related. G1146E has not been observed in cases with relevant disease. Relevant functional assessments of this variant are not available in the literature. G1146E has not been observed in referenced population frequency databases. In summary, there is insufficient evidence to classify NM_000091.4(COL4A3):c.3437G>A(G1146E) as pathogenic or benign. Please note: this variant was assessed in the context of healthy population screening.

NM_000091.5(COL4A3):c.3437G>A (p.Gly1146Glu)

Genes: COL4A3 (collagen type IV alpha 3 chain; plus strand), MFF-DT (MFF divergent transcript; minus strand). Cytogenetic location: 2q36.3.
Variant type: single nucleotide variant.
Coding change: c.3437G>A on transcript NM_000091.5 (MANE Select); coding-DNA position 3437, G replaced by A.
Protein change: p.Gly1146Glu; replaces glycine 1146 with glutamic acid.
Molecular consequence: missense variant.
Genome position (GRCh38, 1-based): chr2:227,294,982, G>A. VCF-style: chr2-227294982-G-A. GRCh37 (hg19) VCF-style: chr2-228159698-G-A.
Other names: short protein forms G1146E.
Identifiers: ClinVar variation 5003708 (VCV005003708.1).